The following is an entry in ClinVar:

ClinVar aggregate classification (germline): Uncertain significance (1 of 4 stars; one submission).

Submission:

Dasa
Classification: Uncertain significance. Last evaluated: 2026-04-26. Review status: criteria provided, single submitter. Criteria: DASA Assertion Criteria. Collection method: clinical testing. Allele origin: germline.
Comment: NM_014712.3(SETD1A):c.4622G>C (p.Arg1541Pro) is a missense variant that results in the substitution of arginine with proline. This variant is absent from population databases. Computational prediction algorithms are consistent with a deleterious effect. The currently available literature and clinical evidence are not sufficient to establish a definitive association between this variant and the reported condition. Therefore, this variant is classified as a variant of uncertain significance.

NM_014712.3(SETD1A):c.4622G>C (p.Arg1541Pro)

Gene: SETD1A (SET domain containing 1A, histone lysine methyltransferase; plus strand). Cytogenetic location: 16p11.2.
Variant type: single nucleotide variant.
Coding change: c.4622G>C on transcript NM_014712.3 (MANE Select); coding-DNA position 4622, G replaced by C.
Protein change: p.Arg1541Pro; replaces arginine 1541 with proline.
Molecular consequence: missense variant.
Genome position (GRCh38, 1-based): chr16:30,980,779, G>C. VCF-style: chr16-30980779-G-C. GRCh37 (hg19) VCF-style: chr16-30992100-G-C.
Other names: short protein forms R1541P.
Identifiers: ClinVar variation 4885930 (VCV004885930.2).